The following is an entry in ClinVar:

NM_001097.3(ACR):c.566-4A>G

Gene: ACR (acrosin; plus strand). Cytogenetic location: 22q13.33.
Variant type: single nucleotide variant.
Coding change: c.566-4A>G on transcript NM_001097.3 (MANE Select); 4 bases into the intron before coding-DNA position 566, A replaced by G.
Molecular consequence: intron variant.
Genome position (GRCh38, 1-based): chr22:50,744,057, A>G. VCF-style: chr22-50744057-A-G. GRCh37 (hg19) VCF-style: chr22-51182485-A-G.
Identifiers: ClinVar variation 402335 (VCV000402335.9), dbSNP rs6009961, ClinGen allele CA10326602.
Genomic context (GRCh38, chr22:50,744,057, plus strand): 5'-CAAGGAGGCAGGGCTTTTGTCCGTGTCTCCCGTGATCACTGACCACCGAGTGGTCTGACT[A>G]TAGCCCCCAGGCCATCATCTATACTGATGGAGGCACGTGTGGATCTCATCGACCTGGACT-3'

ClinVar aggregate classification (germline): Benign. Review status: criteria provided, multiple submitters, no conflicts (2 of 4 stars). 3 submissions from 3 submitters: Benign (3). Last evaluated 2019-12-31.

Allele frequency attached by ClinVar (database versions not stated): 1000 Genomes Project 0.63838; 1000 Genomes Project 30x 0.64663; gnomAD exomes 0.65745 and 0.70467; ExAC 0.66127; gnomAD 0.73754 and 0.75146; TOPMed 0.73877.
gnomAD v4.1: 1,049,405 of 1,482,114 alleles (71%); highest among the groups gnomAD compares: African/African-American, 88%; 387,615 homozygotes.

Submissions (3):

Labcorp Genetics (formerly Invitae), Labcorp
Classification: Benign. Last evaluated: 2019-12-31. Review status: criteria provided, single submitter. Criteria: Invitae Variant Classification Sherloc (09022015). Collection method: clinical testing. Allele origin: germline.

Laboratory for Molecular Medicine, Mass General Brigham Personalized Medicine
Classification: Benign. Last evaluated: 2016-03-28. Review status: criteria provided, single submitter. Criteria: LMM Criteria. Collection method: clinical testing. Allele origin: germline.
Comment: Variant identified in a genome or exome case(s) and assessed due to predicted null impact of the variant or pathogenic assertions in the literature or databases. Disclaimer: This variant has not undergone full assessment. The following are preliminary notes: 66% of total chromosomes in ExAC

Breakthrough Genomics
Classification: Benign. Review status: criteria provided, single submitter. Criteria: ACMG Guidelines, 2015. Collection method: not provided. Allele origin: germline. Inheritance: Unknown mechanism. Affected: yes.